The following is an entry in ClinVar:

NM_022051.3(EGLN1):c.*68G>A

Gene: EGLN1 (egl-9 family hypoxia inducible factor 1; minus strand). Cytogenetic location: 1q42.2.
Variant type: single nucleotide variant.
Coding change: c.*68G>A on transcript NM_022051.3 (MANE Select); 68 bases downstream of the stop codon, G replaced by A.
Molecular consequence: 3 prime UTR variant.
Genome position (GRCh38, 1-based): chr1:231,366,343, C>T on the plus strand (G>A on the coding strand, the complement: EGLN1 is on the minus strand). VCF-style: chr1-231366343-C-T. GRCh37 (hg19) VCF-style: chr1-231502089-C-T.
Other names: c.*129G>A (NM_001377260.1); c.*174G>A (NM_001377261.1).
Identifiers: ClinVar variation 2421487 (VCV002421487.6), dbSNP rs571961024, ClinGen allele CA529723614.

ClinVar aggregate classification (germline): Uncertain significance (1 of 4 stars; one submission).

Conditions:
Erythrocytosis, familial, 3 (ECYT3). Identifiers: Orphanet 247511, MedGen C1853286, MONDO:0012353, OMIM 609820.

Allele frequency attached by ClinVar (database versions not stated): gnomAD exomes 0.00002.
gnomAD v4.1: 28 of 1,527,666 alleles (0.0018%); highest among the groups gnomAD compares: East Asian, 0.036%; no homozygotes.

Submission:

Labcorp Genetics (formerly Invitae), Labcorp
Classification: Uncertain significance for Erythrocytosis, familial, 3. Last evaluated: 2025-03-18. Review status: criteria provided, single submitter. Criteria: Invitae Variant Classification Sherloc (09022015). Collection method: clinical testing. Allele origin: germline.
Comment: This variant occurs in a non-coding region of the EGLN1 gene. It does not change the encoded amino acid sequence of the EGLN1 protein. This variant is present in population databases (no rsID available, gnomAD 0.01%). This variant has not been reported in the literature in individuals affected with EGLN1-related conditions. ClinVar contains an entry for this variant (Variation ID: 2421487). Experimental studies and prediction algorithms are not available or were not evaluated, and the functional significance of this variant is currently unknown. In summary, the available evidence is currently insufficient to determine the role of this variant in disease. Therefore, it has been classified as a Variant of Uncertain Significance.